The following is an entry in ClinVar:

NM_005876.5(SPEG):c.1867A>G (p.Thr623Ala)

Gene: SPEG (striated muscle enriched protein kinase; plus strand). Cytogenetic location: 2q35.
Variant type: single nucleotide variant.
Coding change: c.1867A>G on transcript NM_005876.5 (MANE Select); coding-DNA position 1867, A replaced by G.
Protein change: p.Thr623Ala; replaces threonine 623 with alanine.
Molecular consequence: missense variant.
Genome position (GRCh38, 1-based): chr2:219,449,025, A>G. VCF-style: chr2-219449025-A-G. GRCh37 (hg19) VCF-style: chr2-220313747-A-G.
Other names: c.1867A>G (NM_005876.4); short protein forms T623A.
Identifiers: ClinVar variation 2723987 (VCV002723987.4), dbSNP rs1223596601, ClinGen allele CA350724746.

ClinVar aggregate classification (germline): Uncertain significance. Review status: criteria provided, multiple submitters, no conflicts (2 of 4 stars). 2 submissions from 2 submitters: Uncertain significance (2). Last evaluated 2025-12-03.

Conditions:
Inborn genetic diseases. Identifiers: MedGen C0950123, MeSH D030342.

Allele frequency attached by ClinVar (database versions not stated): gnomAD 0.00004; TOPMed 0.00002.

Submissions (2):

Labcorp Genetics (formerly Invitae), Labcorp
Classification: Uncertain significance. Last evaluated: 2025-12-03. Review status: criteria provided, single submitter. Criteria: Invitae Variant Classification Sherloc (09022015). Collection method: clinical testing. Allele origin: germline.
Comment: This sequence change replaces threonine, which is neutral and polar, with alanine, which is neutral and non-polar, at codon 623 of the SPEG protein (p.Thr623Ala). The frequency data for this variant in the population databases is considered unreliable, as metrics indicate poor data quality at this position in the gnomAD database. This variant has not been reported in the literature in individuals affected with SPEG-related conditions. ClinVar contains an entry for this variant (Variation ID: 2723987). An algorithm developed to predict the effect of missense changes on protein structure and function (PolyPhen-2) suggests that this variant is likely to be disruptive. In summary, the available evidence is currently insufficient to determine the role of this variant in disease. Therefore, it has been classified as a Variant of Uncertain Significance.

Ambry Genetics
Classification: Uncertain significance for Inborn genetic diseases. Last evaluated: 2024-11-24. Review status: criteria provided, single submitter. Criteria: Ambry Variant Classification Scheme 2023. Collection method: clinical testing. Allele origin: germline.